The following is an entry in ClinVar:

ClinVar aggregate classification (germline): Uncertain significance. Review status: criteria provided, multiple submitters, no conflicts (2 of 4 stars). 2 submissions from 2 submitters: Uncertain significance (2). Last evaluated 2022-09-23.

Conditions:
Emery-Dreifuss muscular dystrophy 4, autosomal dominant (EDMD4). Also called: EMERY-DREIFUSS MUSCULAR DYSTROPHY 4 WITH VARIABLE FEATURES. Identifiers: Orphanet 261, MedGen C2751807, MONDO:0013071, OMIM 612998.
Autosomal recessive ataxia, Beauce type. Also called: SYNE1-Related Autosomal Recessive Cerebellar Ataxia; SYNE1 Deficiency; Spinocerebellar ataxia, autosomal recessive 8; ATAXIA, RECESSIVE, OF BEAUCE. Identifiers: Orphanet 88644, MedGen C1853116, MONDO:0012549, OMIM 610743.

Allele frequency attached by ClinVar (database versions not stated): ExAC 0.00002; gnomAD exomes 0.00002; gnomAD 0.00003; TOPMed 0.00004.
gnomAD v4.1: 38 of 1,614,044 alleles (0.0024%); highest among the groups gnomAD compares: Middle Eastern, 0.016%; no homozygotes.

Submissions (2):

Labcorp Genetics (formerly Invitae), Labcorp
Classification: Uncertain significance for Emery-Dreifuss muscular dystrophy 4, autosomal dominant; Autosomal recessive ataxia, Beauce type. Last evaluated: 2022-09-23. Review status: criteria provided, single submitter. Criteria: Invitae Variant Classification Sherloc (09022015). Collection method: clinical testing. Allele origin: germline.
Comment: This sequence change replaces arginine, which is basic and polar, with glutamine, which is neutral and polar, at codon 951 of the SYNE1 protein (p.Arg951Gln). This variant is present in population databases (rs752542678, gnomAD 0.02%). This variant has not been reported in the literature in individuals affected with SYNE1-related conditions. Algorithms developed to predict the effect of missense changes on protein structure and function output the following: SIFT: "Tolerated"; PolyPhen-2: "Benign"; Align-GVGD: "Class C0". The glutamine amino acid residue is found in multiple mammalian species, which suggests that this missense change does not adversely affect protein function. In summary, the available evidence is currently insufficient to determine the role of this variant in disease. Therefore, it has been classified as a Variant of Uncertain Significance.

Athena Diagnostics
Classification: Uncertain significance. Last evaluated: 2022-06-03. Review status: criteria provided, single submitter. Criteria: Athena Diagnostics Criteria. Collection method: clinical testing. Allele origin: unknown.

NM_182961.4(SYNE1):c.2831G>A (p.Arg944Gln)

Gene: SYNE1 (spectrin repeat containing nuclear envelope protein 1; minus strand). Cytogenetic location: 6q25.2.
Variant type: single nucleotide variant.
Coding change: c.2831G>A on transcript NM_182961.4 (MANE Select); coding-DNA position 2831, G replaced by A.
Protein change: p.Arg944Gln; replaces arginine 944 with glutamine.
Molecular consequence: missense variant.
Genome position (GRCh38, 1-based): chr6:152,455,487, C>T on the plus strand (G>A on the coding strand, the complement: SYNE1 is on the minus strand). VCF-style: chr6-152455487-C-T. GRCh37 (hg19) VCF-style: chr6-152776622-C-T.
Other names: c.2852G>A, p.Arg951Gln (NM_033071.5); short protein forms R944Q, R951Q.
Identifiers: ClinVar variation 1807206 (VCV001807206.6), dbSNP rs752542678, ClinGen allele CA4059020.
Genomic context (GRCh38, chr6:152,455,487, plus strand): 5'-GTGTGTCTCCGCAGGAGCTCCTCTGGATCCCCCTTTTCCTCCAGGCCCTCCTGAGCAATC[C>T]GCAGTACCTTCTCCAACTCTGCTCGAGACTCCTCAAACTTCTTCATCAAGCGACTGTTGG-3'
Protein context (NP_892006.3, residues 934-954): ESRAELEKVL[Arg944Gln]IAQEGLEEKG